The following is an entry in ClinVar:

ClinVar aggregate classification (germline): Uncertain significance (1 of 4 stars; one submission).

gnomAD v4.1: 31 of 1,611,224 alleles (0.0019%); highest among the groups gnomAD compares: Non-Finnish European, 0.0025%; no homozygotes.

Submission:

Labcorp Genetics (formerly Invitae), Labcorp
Classification: Uncertain significance. Last evaluated: 2025-08-04. Review status: criteria provided, single submitter. Criteria: Invitae Variant Classification Sherloc (09022015). Collection method: clinical testing. Allele origin: germline.
Comment: This sequence change replaces leucine, which is neutral and non-polar, with tryptophan, which is neutral and slightly polar, at codon 408 of the CEP89 protein (p.Leu408Trp). This variant is not present in population databases (gnomAD no frequency). This variant has not been reported in the literature in individuals affected with CEP89-related conditions. An algorithm developed to predict the effect of missense changes on protein structure and function (PolyPhen-2) suggests that this variant is likely to be disruptive. In summary, the available evidence is currently insufficient to determine the role of this variant in disease. Therefore, it has been classified as a Variant of Uncertain Significance.

NM_032816.5(CEP89):c.1223T>G (p.Leu408Trp)

Gene: CEP89 (centrosomal protein 89; minus strand). Cytogenetic location: 19q13.11.
Variant type: single nucleotide variant.
Coding change: c.1223T>G on transcript NM_032816.5 (MANE Select); coding-DNA position 1223, T replaced by G.
Protein change: p.Leu408Trp; replaces leucine 408 with tryptophan.
Molecular consequence: missense variant.
Genome position (GRCh38, 1-based): chr19:32,923,484, A>C on the plus strand (T>G on the coding strand, the complement: CEP89 is on the minus strand). VCF-style: chr19-32923484-A-C. GRCh37 (hg19) VCF-style: chr19-33414390-A-C.
Other names: short protein forms L408W.
Identifiers: ClinVar variation 4768444 (VCV004768444.1).
Genomic context (GRCh38, chr19:32,923,484, plus strand): 5'-CACAATGCCACTTGCCATTCCTCACTGGTAACAGCACTACTCTTATTTAACTCTTGGTGC[A>C]ATTCTTCATTTTCTTTCACCACTTCTTGGACTCGCATCCTAAACATTCTCATTTCCTCCT-3'
Protein context (NP_116205.3, residues 398-418): VQEVVKENEE[Leu408Trp]HQELNKSSAV